The following is an entry in ClinVar:

ClinVar aggregate classification (germline): Likely benign. Review status: criteria provided, single submitter (1 of 4 stars). 3 submissions from 3 submitters: Likely benign (1). 2 of the submissions do not count toward it. Last evaluated 2023-12-04.

Conditions:
KMT2C-related disorder. Also called: KMT2C-related condition; KMT2C-related disorders.
Tip-toe gait. Also called: Toe walking. Identifiers: MedGen C0427144, HP:0030051.

Allele frequency attached by ClinVar (database versions not stated): 1000 Genomes Project 0.00020; gnomAD exomes 0.00012 and 0.00013; ExAC 0.00017; gnomAD 0.00021; ESP Exome Variant Server 0.00046; 1000 Genomes Project 30x 0.00016; TOPMed 0.00023.
gnomAD v4.1: 228 of 1,614,194 alleles (0.014%); highest among the groups gnomAD compares: African/African-American, 0.045%; 1 homozygote.

Submissions (3):

Labcorp Genetics (formerly Invitae), Labcorp
Classification: Likely benign. Last evaluated: 2023-12-04. Review status: criteria provided, single submitter. Criteria: Invitae Variant Classification Sherloc (09022015). Collection method: clinical testing. Allele origin: germline.

PreventionGenetics, part of Exact Sciences
Classification: Likely benign for KMT2C-related condition. Last evaluated: 2022-12-08. Review status: no assertion criteria provided. Collection method: clinical testing. Allele origin: germline. Not counted in ClinVar's aggregate classification.
Comment: This variant is classified as likely benign based on ACMG/AMP sequence variant interpretation guidelines (Richards et al. 2015 PMID: 25741868, with internal and published modifications).

Practice for Gait Abnormalities, David Pomarino, Competency Network Toe Walking C/o Practice Pomarino
Classification: Likely pathogenic for Tip-toe gait. Review status: flagged submission. Collection method: clinical testing. Allele origin: germline. Affected: yes. Not counted in ClinVar's aggregate classification.
ClinVar note: Notes: This gene has insufficient supporting evidence for isolated Tip-Toe Gait.
ClinVar note: Reason: Claim with insufficient supporting evidence

NM_170606.3(KMT2C):c.13311G>A (p.Thr4437=)

Gene: KMT2C (lysine methyltransferase 2C; minus strand). Cytogenetic location: 7q36.1.
Variant type: single nucleotide variant.
Coding change: c.13311G>A on transcript NM_170606.3 (MANE Select); coding-DNA position 13311, G replaced by A.
Protein change: p.Thr4437=; no amino-acid change (threonine 4437 retained).
Molecular consequence: synonymous variant.
Genome position (GRCh38, 1-based): chr7:152,148,616, C>T on the plus strand (G>A on the coding strand, the complement: KMT2C is on the minus strand). VCF-style: chr7-152148616-C-T. GRCh37 (hg19) VCF-style: chr7-151845701-C-T.
Other names: c.13311G>A (NM_170606.2).
Identifiers: ClinVar variation 1607013 (VCV001607013.11), dbSNP rs149554388, ClinGen allele CA4578642.
Genomic context (GRCh38, chr7:152,148,616, plus strand): 5'-GCCTCTCCTCAGAGCTAGCTCCACATTTATTAAGGCACCAGCCTGAGTCTCATAGACCTC[C>T]GTGGACCACAGAGCGCAGTTCAAGTGGACCCACAGATCCAAGTCAAGGTTGAGTAGCCTT-3'
Protein context (NP_733751.2, residues 4427-4447): WVHLNCALWS[Thr4437=]EVYETQAGAL